The following is an entry in ClinVar:

ClinVar aggregate classification (germline): Pathogenic. Review status: criteria provided, single submitter (1 of 4 stars). 4 submissions from 3 submitters: Pathogenic (1). 3 of the submissions do not count toward it. Last evaluated 2026-07-01.

Conditions:
Glycogen storage disease, type II (IOPD). Also called: POMPE DISEASE, INFANTILE-ONSET; GLYCOGEN STORAGE DISEASE II, INFANTILE-ONSET; ACID ALPHA-GLUCOSIDASE DEFICIENCY, INFANTILE-ONSET; GAA DEFICIENCY, INFANTILE-ONSET; ACID MALTASE DEFICIENCY, INFANTILE-ONSET; CARDIOMEGALIA GLYCOGENICA DIFFUSA. Identifiers: Orphanet 365, MedGen C0017921, MONDO:0009290, OMIM 232300.
Glycogen storage disease due to acid maltase deficiency, late-onset (LOPD). Also called: POMPE DISEASE, LATE-ONSET; GLYCOGEN STORAGE DISEASE II, LATE-ONSET; ACID ALPHA-GLUCOSIDASE DEFICIENCY, LATE-ONSET; GAA DEFICIENCY, LATE-ONSET; ACID MALTASE DEFICIENCY, LATE-ONSET; AMD, LATE-ONSET. Identifiers: Orphanet 420429, MedGen C0342753, MONDO:0018485, OMIM 621314.

Allele frequency attached by ClinVar (database versions not stated): gnomAD exomes below 0.00001.
gnomAD v4.1: 1 of 1,613,168 alleles (0.000062%); highest among the groups gnomAD compares: Non-Finnish European, 0.000085%; no homozygotes.

Submissions (5):

Genomenon, Inc
Classification: Pathogenic for Glycogen storage disease, type II. Last evaluated: 2026-07-01. Review status: criteria provided, single submitter. Criteria: Genomenon Sequence Variant Interpretation Standards - Updated. Collection method: curation. Allele origin: germline. Affected: yes.
Comment: GAA c.1076-1G>A is a canonical splice variant affecting the acceptor splice site of intron 6. It is predicted to affect mRNA splicing, leading to a deleterious effect on the GAA protein. This variant has been observed in at least one proband with a GAA-related disorder (PMID:31545528). It is absent or not present at a significant frequency in gnomAD. In conclusion, we classify GAA c.1076-1G>A as a pathogenic variant.

Counsyl
Classification: Likely pathogenic for Glycogen storage disease, type II. Last evaluated: 2017-03-22. Review status: no assertion criteria provided. Collection method: clinical testing. Allele origin: unknown. Not counted in ClinVar's aggregate classification.

OMIM
Classification: Pathogenic for POMPE DISEASE, INFANTILE-ONSET. Last evaluated: 2007-09-01. Review status: no assertion criteria provided. Collection method: literature only. Allele origin: germline. Not counted in ClinVar's aggregate classification.

OMIM
Classification: Pathogenic for POMPE DISEASE, LATE-ONSET. Last evaluated: 2007-09-01. Review status: no assertion criteria provided. Collection method: literature only. Allele origin: germline. Not counted in ClinVar's aggregate classification.

Dr. Peter K. Rogan Lab, Western University
No classification provided (evidence only). Condition: Melanoma. Review status: no classification provided. Collection method: in vitro. Allele origin: not applicable. Functional consequence: retained intron. Not counted in ClinVar's aggregate classification.

Literature cited by the submitters: PubMed 31545528 (cited by Genomenon, Inc); PubMed 18607768 (cited by Counsyl); PubMed 17616415 (cited by OMIM).

NM_000152.5(GAA):c.1076-1G>A

Gene: GAA (alpha glucosidase; plus strand). Cytogenetic location: 17q25.3.
Variant type: single nucleotide variant.
Coding change: c.1076-1G>A on transcript NM_000152.5 (MANE Select); the canonical splice acceptor site of the intron before coding-DNA position 1076, G replaced by A.
Molecular consequence: splice acceptor variant.
Genome position (GRCh38, 1-based): chr17:80,108,488, G>A. VCF-style: chr17-80108488-G-A. GRCh37 (hg19) VCF-style: chr17-78082287-G-A.
Other names: NC_000017.10:g.78082287G>A; IVS1AS, G-C, -1; c.1076-1G>C (NM_000152.5); c.1076-1G>A (NM_001406741.1, NM_001406742.1, NM_001079803.3 and 1 more transcripts).
Identifiers: ClinVar variation 551193 (VCV000551193.7), dbSNP rs1555600050, ClinGen allele CA401364877.
Genomic context (GRCh38, chr17:80,108,488, plus strand): 5'-CCGCGGCCCCCGCCCCAAGGCTCCCTCCTCCCTCCCTCATGAAGTCGGCGTTGGCCTGCA[G>A]GATACCCGTTCATGCCGCCATACTGGGGCCTGGGCTTCCACCTGTGCCGCTGGGGCTACT-3'